The following is an entry in ClinVar:

ClinVar aggregate classification (germline): Uncertain significance. Review status: criteria provided, multiple submitters, no conflicts (2 of 4 stars). 2 submissions from 2 submitters: Uncertain significance (2). Last evaluated 2025-06-09.

Conditions:
Hereditary cancer-predisposing syndrome. Also called: Neoplastic Syndromes, Hereditary; Tumor predisposition; Hereditary Cancer Syndrome; Hereditary neoplastic syndrome. Identifiers: Orphanet 140162, MedGen C0027672, MeSH D009386, MONDO:0015356.
Hereditary nonpolyposis colorectal neoplasms. Identifiers: MedGen C0009405, MeSH D003123.

Allele frequency attached by ClinVar (database versions not stated): TOPMed below 0.00001.

Submissions (2):

Ambry Genetics
Classification: Uncertain significance for Hereditary cancer-predisposing syndrome. Last evaluated: 2025-06-09. Review status: criteria provided, single submitter. Criteria: Ambry Variant Classification Scheme 2023. Collection method: clinical testing. Allele origin: germline.
Comment: The p.Q344H variant (also known as c.1032A>C), located in coding exon 4 of the MSH6 gene, results from an A to C substitution at nucleotide position 1032. The glutamine at codon 344 is replaced by histidine, an amino acid with highly similar properties. This amino acid position is conserved. In addition, this alteration is predicted to be tolerated by in silico analysis. Based on the available evidence, the clinical significance of this variant remains unclear.

Labcorp Genetics (formerly Invitae), Labcorp
Classification: Uncertain significance for Hereditary nonpolyposis colorectal neoplasms. Last evaluated: 2025-03-26. Review status: criteria provided, single submitter. Criteria: Invitae Variant Classification Sherloc (09022015). Collection method: clinical testing. Allele origin: germline.
Comment: This sequence change replaces glutamine, which is neutral and polar, with histidine, which is basic and polar, at codon 344 of the MSH6 protein (p.Gln344His). This variant is not present in population databases (gnomAD no frequency). This variant has not been reported in the literature in individuals affected with MSH6-related conditions. ClinVar contains an entry for this variant (Variation ID: 649330). Invitae Evidence Modeling of protein sequence and biophysical properties (such as structural, functional, and spatial information, amino acid conservation, physicochemical variation, residue mobility, and thermodynamic stability) indicates that this missense variant is not expected to disrupt MSH6 protein function with a negative predictive value of 95%. In summary, the available evidence is currently insufficient to determine the role of this variant in disease. Therefore, it has been classified as a Variant of Uncertain Significance.

NM_000179.3(MSH6):c.1032A>C (p.Gln344His)

Gene: MSH6 (mutS homolog 6; plus strand). Cytogenetic location: 2p16.3.
Variant type: single nucleotide variant.
Coding change: c.1032A>C on transcript NM_000179.3 (MANE Select); coding-DNA position 1032, A replaced by C.
Protein change: p.Gln344His; replaces glutamine 344 with histidine.
Molecular consequence: missense variant.
Genome position (GRCh38, 1-based): chr2:47,799,015, A>C. VCF-style: chr2-47799015-A-C. GRCh37 (hg19) VCF-style: chr2-48026154-A-C.
Other names: c.642A>C, p.Gln214His (NM_001281492.2); c.126A>C, p.Gln42His (NM_001281493.2, NM_001281494.2); short protein forms Q214H, Q344H, Q42H.
Identifiers: ClinVar variation 649330 (VCV000649330.10), dbSNP rs1572721339, ClinGen allele CA346741408.